The following is an entry in ClinVar:

ClinVar aggregate classification (germline): Uncertain significance (1 of 4 stars; one submission).

Conditions:
Gorlin syndrome. Also called: Nevoid Basal Cell Carcinoma Syndrome; Basal cell nevus syndrome. Identifiers: Orphanet 377, MedGen C0004779, MONDO:0007187.

Submission:

Labcorp Genetics (formerly Invitae), Labcorp
Classification: Uncertain significance for Gorlin syndrome. Last evaluated: 2019-04-28. Review status: criteria provided, single submitter. Criteria: Invitae Variant Classification Sherloc (09022015). Collection method: clinical testing. Allele origin: germline.
Comment: In summary, the available evidence is currently insufficient to determine the role of this variant in disease. Therefore, it has been classified as a Variant of Uncertain Significance. Algorithms developed to predict the effect of missense changes on protein structure and function are either unavailable or do not agree on the potential impact of this missense change (SIFT: "Deleterious"; PolyPhen-2: "Probably Damaging"; Align-GVGD: "Class C0"). This variant has not been reported in the literature in individuals with PTCH1-related conditions. This variant is not present in population databases (ExAC no frequency). This sequence change replaces glycine with aspartic acid at codon 473 of the PTCH1 protein (p.Gly473Asp). The glycine residue is highly conserved and there is a moderate physicochemical difference between glycine and aspartic acid.

NM_000264.5(PTCH1):c.1418G>A (p.Gly473Asp)

Gene: PTCH1 (patched 1; minus strand). Cytogenetic location: 9q22.32.
Variant type: single nucleotide variant.
Coding change: c.1418G>A on transcript NM_000264.5 (MANE Select); coding-DNA position 1418, G replaced by A.
Protein change: p.Gly473Asp; replaces glycine 473 with aspartic acid.
Molecular consequence: missense variant. On other transcripts: non-coding transcript variant (1), intron variant (1).
Genome position (GRCh38, 1-based): chr9:95,477,632, C>T on the plus strand (G>A on the coding strand, the complement: PTCH1 is on the minus strand). VCF-style: chr9-95477632-C-T. GRCh37 (hg19) VCF-style: chr9-98239914-C-T.
Other names: c.1220G>A, p.Gly407Asp (NM_001083602.3); c.1415G>A, p.Gly472Asp (NM_001083603.3); c.965G>A, p.Gly322Asp (NM_001083604.3, NM_001083605.3, NM_001083606.3 and 1 more transcripts); c.1347+423G>A (NM_001354918.2); short protein forms G472D, G322D, G473D, G407D.
Identifiers: ClinVar variation 946215 (VCV000946215.10), dbSNP rs1841159429, ClinGen allele CA374118539.